The following is an entry in ClinVar:

ClinVar aggregate classification (germline): Uncertain significance (1 of 4 stars; one submission).

Submission:

Labcorp Genetics (formerly Invitae), Labcorp
Classification: Uncertain significance. Last evaluated: 2025-04-16. Review status: criteria provided, single submitter. Criteria: Invitae Variant Classification Sherloc (09022015). Collection method: clinical testing. Allele origin: germline.
Comment: This sequence change replaces asparagine, which is neutral and polar, with lysine, which is basic and polar, at codon 1046 of the FBN3 protein (p.Asn1046Lys). This variant is not present in population databases (gnomAD no frequency). This variant has not been reported in the literature in individuals affected with FBN3-related conditions. ClinVar contains an entry for this variant (Variation ID: 2104732). Invitae Evidence Modeling of protein sequence and biophysical properties (such as structural, functional, and spatial information, amino acid conservation, physicochemical variation, residue mobility, and thermodynamic stability) indicates that this missense variant is expected to disrupt FBN3 protein function with a positive predictive value of 80%. In summary, the available evidence is currently insufficient to determine the role of this variant in disease. Therefore, it has been classified as a Variant of Uncertain Significance.

NM_032447.5(FBN3):c.3138C>A (p.Asn1046Lys)

Gene: FBN3 (fibrillin 3; minus strand). Cytogenetic location: 19p13.2.
Variant type: single nucleotide variant.
Coding change: c.3138C>A on transcript NM_032447.5 (MANE Select); coding-DNA position 3138, C replaced by A.
Protein change: p.Asn1046Lys; replaces asparagine 1046 with lysine.
Molecular consequence: missense variant.
Genome position (GRCh38, 1-based): chr19:8,121,331, G>T on the plus strand (C>A on the coding strand, the complement: FBN3 is on the minus strand). VCF-style: chr19-8121331-G-T. GRCh37 (hg19) VCF-style: chr19-8186215-G-T.
Other names: c.3138C>A, p.Asn1046Lys (NM_001321431.2); short protein forms N1046K.
Identifiers: ClinVar variation 2104732 (VCV002104732.4), dbSNP rs777222940, ClinGen allele CA403690358.